The following is an entry in ClinVar:

ClinVar aggregate classification (germline): Likely benign. Review status: criteria provided, multiple submitters, no conflicts (2 of 4 stars). 2 submissions from 2 submitters: Likely benign (2). Last evaluated 2026-04-14.

Conditions:
Hypertrophic cardiomyopathy 26. Also called: Cardiomyopathy, familial hypertrophic, 26. Identifiers: Orphanet 75249, MedGen C4310749, MONDO:0014883, OMIM 617047.
Distal myopathy with posterior leg and anterior hand involvement. Also called: WILLIAMS DISTAL MYOPATHY. Identifiers: Orphanet 63273, MedGen C3279722, MONDO:0013550, OMIM 614065.
Myofibrillar myopathy 5. Also called: Filaminopathy (type); FILAMINOPATHY, AUTOSOMAL DOMINANT. Identifiers: Orphanet 171445, MedGen C1836050, MONDO:0012289, OMIM 609524.
FLNC-related disorder. Also called: FLNC-related condition; FLNC-related disorders.

Allele frequency attached by ClinVar (database versions not stated): TOPMed below 0.00001; ExAC 0.00001; gnomAD 0.00002; ESP Exome Variant Server 0.00008; 1000 Genomes Project 30x 0.00016; 1000 Genomes Project 0.00020.

Submissions (2):

PreventionGenetics, part of Exact Sciences
Classification: Likely benign for FLNC-related condition. Last evaluated: 2026-04-14. Review status: criteria provided, single submitter. Criteria: ACMG Guidelines, 2015. Collection method: clinical testing. Allele origin: germline.
Comment: This variant is classified as likely benign based on ACMG/AMP sequence variant interpretation guidelines (Richards et al. 2015 PMID: 25741868, with internal and published modifications).

Labcorp Genetics (formerly Invitae), Labcorp
Classification: Likely benign for Distal myopathy with posterior leg and anterior hand involvement; Myofibrillar myopathy 5; Hypertrophic cardiomyopathy 26. Last evaluated: 2024-03-14. Review status: criteria provided, single submitter. Criteria: Invitae Variant Classification Sherloc (09022015). Collection method: clinical testing. Allele origin: germline.

NM_001458.5(FLNC):c.5669-10C>T

Genes: FLNC (filamin C; plus strand), FLNC-AS1 (FLNC antisense RNA 1; minus strand). Cytogenetic location: 7q32.1.
Variant type: single nucleotide variant.
Coding change: c.5669-10C>T on transcript NM_001458.5 (MANE Select); 10 bases into the intron before coding-DNA position 5669, C replaced by T.
Molecular consequence: intron variant. On other transcripts: non-coding transcript variant (1).
Genome position (GRCh38, 1-based): chr7:128,851,445, C>T. VCF-style: chr7-128851445-C-T. GRCh37 (hg19) VCF-style: chr7-128491499-C-T.
Other names: c.5570-10C>T (NM_001127487.2).
Identifiers: ClinVar variation 771957 (VCV000771957.12), dbSNP rs371394538, ClinGen allele CA4475761.